The following is an entry in ClinVar:

NM_006492.3(ALX3):c.625C>A (p.Arg209=)

Gene: ALX3 (ALX homeobox 3; minus strand). Cytogenetic location: 1p13.3.
Variant type: single nucleotide variant.
Coding change: c.625C>A on transcript NM_006492.3 (MANE Select); coding-DNA position 625, C replaced by A.
Protein change: p.Arg209=; no amino-acid change (arginine 209 retained).
Molecular consequence: synonymous variant.
Genome position (GRCh38, 1-based): chr1:110,061,533, G>T on the plus strand (C>A on the coding strand, the complement: ALX3 is on the minus strand). VCF-style: chr1-110061533-G-T. GRCh37 (hg19) VCF-style: chr1-110604155-G-T.
Identifiers: ClinVar variation 4534537 (VCV004534537.6).
Genomic context (GRCh38, chr1:110,061,533, plus strand): 5'-CATAGGCAGCCGTGAAGGGGTTCCGCCCCTCCTGGATCTTCCCATAACGCTCGCGCTTCC[G>T]CCACTTGGCTCTGCGGTTCTGGAACCAGACCTGGGGGCAGGTTGTGGGGGTTTGAGGGGG-3'
Protein context (NP_006483.2, residues 199-219): VWFQNRRAKW[Arg209=]KRERYGKIQE

ClinVar aggregate classification (germline): Likely benign (1 of 4 stars; one submission).

Submission:

CeGaT Center for Human Genetics Tuebingen
Classification: Likely benign. Last evaluated: 2025-11-01. Review status: criteria provided, single submitter. Criteria: CeGaT Center For Human Genetics Tuebingen Variant Classification Criteria Version 2. Collection method: clinical testing. Allele origin: germline. Affected: yes. Observed: 1 variant allele.
Comment: ALX3: BP4, BP7